The following is an entry in ClinVar:

ClinVar aggregate classification (germline): Pathogenic/Likely pathogenic. Review status: criteria provided, multiple submitters, no conflicts (2 of 4 stars). 5 submissions from 5 submitters: Pathogenic (2); Likely pathogenic (1). 2 of the submissions do not count toward it. Last evaluated 2025-12-16.

Conditions:
ALG9-related disorder. Also called: ALG9-related condition.
ALG9 congenital disorder of glycosylation (CDG1L). Also called: CDG Il; CONGENITAL DISORDER OF GLYCOSYLATION, TYPE Il; ALG9-CDG. Identifiers: Orphanet 79328, MedGen C2931006, MONDO:0012117, OMIM 608776.
Gillessen-Kaesbach-Nishimura syndrome (GIKANIS). Identifiers: MedGen C1849762, MONDO:0009890, OMIM 263210.

Allele frequency attached by ClinVar (database versions not stated): TOPMed 0.00002; gnomAD 0.00003 and 0.00004; ExAC 0.00006; gnomAD exomes 0.00006 and 0.00007.
gnomAD v4.1: 115 of 1,613,906 alleles (0.0071%); highest among the groups gnomAD compares: Non-Finnish European, 0.0086%; no homozygotes.

Submissions (5):

Victorian Clinical Genetics Services, Murdoch Childrens Research Institute
Classification: Pathogenic for ALG9 congenital disorder of glycosylation. Last evaluated: 2025-12-16. Review status: criteria provided, single submitter. Criteria: ACMG Guidelines, 2015. Collection method: clinical testing. Allele origin: germline. Affected: yes.
Comment: This variant is classified as Pathogenic. Evidence in support of pathogenic classification: Variant is present in gnomAD <0.01 (v4: 115 heterozygote(s), 0 homozygote(s)); This variant has strong previous evidence of pathogenicity in unrelated individuals. It has been classified as likely pathogenic and pathogenic by clinical laboratories in ClinVar and reported in the literature in homozygous individuals with congenital disorder of glycosylation (PMIDs: 36326140, 28122681); This variant has moderate functional evidence supporting abnormal protein function. In vitro studies have showed that this cells with this variant did not rescue protein maturation (PMID: 31395617); Missense variant predicted to be damaging by in silico tool(s) or highly conserved with a major amino acid change. Additional information: Variant is predicted to result in a missense amino acid change from Tyr to Cys; This variant is heterozygous; This gene is associated with both recessive and dominant disease. Biallelic missense variants are associated with congenital disorder of glycosylation, type Il (MIM#608776), whilst biallelic null variants are associated with Gillessen-Kaesbach-Nishimura syndrome (MIM#263210). Heterozygous variants are associated with a form of polycystic kidney disease with incomplete penetrance (PMID: 31395617); No published evidence of segregation with disease has been identified for this variant; No comparable missense variants have previous evidence for pathogenicity; Variant is located in the annotated Glyco_transf_22 domain (DECIPHER); Loss of function is a known mechanism of disease in this gene and is associated with congenital disorder of glycosylation, type II (MIM#608776), Gillessen-Kaesbach-Nishimura syndrome (MIM#263210) and ALG9-associated autosomal dominant polycystic kidney disease (MONDO:0700000); The condition associated with this gene has incomplete penetrance for ADPKD (PMID: 31395617); Inheritance information for this variant is not currently available in this individual.

Fulgent Genetics
Classification: Likely pathogenic for Gillessen-Kaesbach-Nishimura syndrome; ALG9 congenital disorder of glycosylation. Last evaluated: 2024-01-12. Review status: criteria provided, single submitter. Criteria: ACMG Guidelines, 2015. Collection method: clinical testing. Allele origin: germline.

Blueprint Genetics
Classification: Pathogenic for ALG9-related disorders. Last evaluated: 2023-12-27. Review status: criteria provided, single submitter. Criteria: ACMG Guidelines, 2015. Collection method: clinical testing. Allele origin: germline. Affected: yes. Observed: 5 variant alleles.

PreventionGenetics, part of Exact Sciences
Classification: Pathogenic for ALG9-related condition. Last evaluated: 2024-09-06. Review status: no assertion criteria provided. Collection method: clinical testing. Allele origin: germline. Not counted in ClinVar's aggregate classification.
Comment: The ALG9 c.860A>G variant is predicted to result in the amino acid substitution p.Tyr287Cys. This variant has previously been reported in the homozygous state in multiple unrelated individuals who presented with autosomal recessive congenital disorder of glycosylation, type Il (Weinstein et al. 2005. PubMed ID: 15945070, reported as p.Y286C; Davis et al. 2017. PubMed ID: 28932688; Vleugels et al. 2009. PubMed ID: 19451548, reported as p.Y286C). We classify this variant as pathogenic.

OMIM
Classification: Pathogenic for CONGENITAL DISORDER OF GLYCOSYLATION, TYPE Il. Last evaluated: 2005-07-15. Review status: no assertion criteria provided. Collection method: literature only. Allele origin: germline. Not counted in ClinVar's aggregate classification.

Literature cited by the submitters: PubMed 36326140 (cited by Victorian Clinical Genetics Services, Murdoch Childrens Research Institute); PubMed 31395617 (cited by Victorian Clinical Genetics Services, Murdoch Childrens Research Institute); PubMed 28122681 (cited by Victorian Clinical Genetics Services, Murdoch Childrens Research Institute); PubMed 15945070 (cited by OMIM).

NM_024740.2(ALG9):c.860A>G (p.Tyr287Cys)

Gene: ALG9 (ALG9 alpha-1,2-mannosyltransferase; minus strand). Cytogenetic location: 11q23.1.
Variant type: single nucleotide variant.
Coding change: c.860A>G on transcript NM_024740.2 (MANE Select); coding-DNA position 860, A replaced by G.
Protein change: p.Tyr287Cys; replaces tyrosine 287 with cysteine.
Molecular consequence: missense variant. On other transcripts: non-coding transcript variant (1).
Genome position (GRCh38, 1-based): chr11:111,853,415, T>C on the plus strand (A>G on the coding strand, the complement: ALG9 is on the minus strand). VCF-style: chr11-111853415-T-C. GRCh37 (hg19) VCF-style: chr11-111724138-T-C.
Other names: Y286C; c.860A>G, p.Tyr287Cys (NM_001077690.1, NM_001352417.1, NM_001352418.1); c.347A>G, p.Tyr116Cys (NM_001077691.2, NM_001077692.2, NM_001352409.1 and 11 more transcripts); c.272A>G, p.Tyr91Cys (NM_001352422.2); short protein forms Y287C, Y116C, Y91C.
Identifiers: ClinVar variation 3749 (VCV000003749.5), dbSNP rs121908023, ClinGen allele CA252862.
Genomic context (GRCh38, chr11:111,853,415, plus strand): 5'-TTGCCCAAATTTCACAAAGCCTTACCATAAAGATCAGGTCCATGAGGAGTAAAGACATTA[T>C]ACAAAACAATGTTGAGTGGTGCAATCACCAACTTCCCATAATAGTAGCTGTCAATGACCA-3'
Protein context (NP_079016.2, residues 277-297): LVIAPLNIVL[Tyr287Cys]NVFTPHGPDL